The following is an entry in ClinVar:

ClinVar aggregate classification (germline): Pathogenic. Review status: criteria provided, multiple submitters, no conflicts (2 of 4 stars). 5 submissions from 5 submitters: Pathogenic (2). 3 of the submissions do not count toward it. Last evaluated 2022-05-18.

Conditions:
BFSP2-related disorder. Also called: BFSP2-related condition.
Cataract 12 multiple types. Identifiers: Orphanet 91492, MedGen C3808115, MONDO:0012701, OMIM 611597.

Submissions (5):

GeneDx
Classification: Pathogenic. Last evaluated: 2022-05-18. Review status: criteria provided, single submitter. Criteria: GeneDx Variant Classification Process June 2021. Collection method: clinical testing. Allele origin: germline. Affected: yes.
Comment: Identified in multiple unrelated families with autosomal dominant congenital cataracts referred for testing at GeneDx and in published literature (Li et al., 2018; Jakobs et al., 2000; Zhang et al., 2004; Zhang et al., 2006); Not observed at significant frequency in large population cohorts (gnomAD); In-frame deletion of 1 amino acid in a non-repeat region; In silico analysis supports a deleterious effect on protein structure/function; This variant is associated with the following publications: (PMID: 19587458, 21042563, 21850182, 10634598, 29914532, 15570218, 17200662, 17490642, 27628848, 23288997, 17982427, 10739768)

Labcorp Genetics (formerly Invitae), Labcorp
Classification: Pathogenic for Cataract 12 multiple types. Last evaluated: 2022-05-06. Review status: criteria provided, single submitter. Criteria: Invitae Variant Classification Sherloc (09022015). Collection method: clinical testing. Allele origin: germline.
Comment: This variant, c.697_699del, results in the deletion of 1 amino acid(s) of the BFSP2 protein (p.Glu233del), but otherwise preserves the integrity of the reading frame. This variant is present in population databases (rs776669908, gnomAD 0.0009%). For these reasons, this variant has been classified as Pathogenic. This variant is also known as 696_698del (deltaE233). This variant has been observed in individuals with autosomal dominant congenital cataract (PMID: 15570218, 27628848, 29914532; Invitae). It has also been observed to segregate with disease in related individuals.

PreventionGenetics, part of Exact Sciences
Classification: Pathogenic for BFSP2-related condition. Last evaluated: 2024-06-28. Review status: no assertion criteria provided. Collection method: clinical testing. Allele origin: germline. Not counted in ClinVar's aggregate classification.
Comment: The BFSP2 c.697_699delGAA variant is predicted to result in an in-frame deletion (p.Glu233del). This variant was reported to segregate with pediatric cataracts in three large unrelated families (Family ADCC-3 in Jakobs et al. 2000. PubMed ID: 10739768; Zhang et al. 2004. PubMed ID: 15570218; Family 11 in Li et al. 2018. PubMed ID: 29914532). This variant is reported in 0.00088% of alleles in individuals of European (Non-Finnish) descent in gnomAD and has been interpreted as pathogenic in ClinVar. This variant is interpreted as pathogenic.

OMIM
Classification: Pathogenic for CATARACT 12, MULTIPLE TYPES. Last evaluated: 2004-11-17. Review status: no assertion criteria provided. Collection method: literature only. Allele origin: germline. Not counted in ClinVar's aggregate classification.

Epithelial Biology;  Institute of Medical Biology, Singapore
No classification provided. Review status: no classification provided. Collection method: not provided. Allele origin: not provided. Not counted in ClinVar's aggregate classification.

Literature cited by the submitters: PubMed 15570218 (cited by Labcorp Genetics (formerly Invitae), Labcorp and OMIM); PubMed 27628848 (cited by Labcorp Genetics (formerly Invitae), Labcorp); PubMed 29914532 (cited by Labcorp Genetics (formerly Invitae), Labcorp); PubMed 10634598 (cited by OMIM); PubMed 10739768 (cited by OMIM).

NM_003571.4(BFSP2):c.694GAA[1] (p.Glu233del)

Genes: BFSP2 (beaded filament structural protein 2; plus strand), BFSP2-AS1 (BFSP2 antisense RNA 1; minus strand). Cytogenetic location: 3q22.1.
Variant type: Microsatellite.
Coding change: c.694GAA[1] on transcript NM_003571.4 (MANE Select); one copy of the 3-base unit GAA starting at c.694; the reference has two copies in a row; one copy, 3 bases deleted.
Protein change: p.Glu233del; deletes glutamic acid 233.
Molecular consequence: inframe deletion.
Genome position (GRCh38, 1-based): chr3:133,448,613-133,448,615, GAA deleted; deleting any 3 consecutive bases within chr3:133,448,608-133,448,615 gives the same sequence; the position shown is the placement nearest the transcript's 3' end. VCF-style (leftmost placement, unchanged base first): chr3-133448607-AAAG-A. GRCh37 (hg19) VCF-style: chr3-133167451-AAAG-A.
Other names: E233delE; c.697_699delGAA (NM_003571.3).
Identifiers: ClinVar variation 6584 (VCV000006584.8), dbSNP rs121908938, ClinGen allele CA118357.